The following is an entry in ClinVar:

ClinVar aggregate classification (germline): Uncertain significance (1 of 4 stars; one submission).

gnomAD v4.1: 3 of 1,613,962 alleles (0.00019%); highest among the groups gnomAD compares: Admixed American, 0.0017%; no homozygotes.

Submission:

Ambry Genetics
Classification: Uncertain significance. Last evaluated: 2025-03-28. Review status: criteria provided, single submitter. Criteria: Ambry Variant Classification Scheme 2023. Collection method: clinical testing. Allele origin: germline.
Comment: The p.R197L variant (also known as c.590G>T), located in coding exon 1 of the CDK12 gene, results from a G to T substitution at nucleotide position 590. The arginine at codon 197 is replaced by leucine, an amino acid with dissimilar properties. This amino acid position is conserved. In addition, this alteration is predicted to be tolerated by in silico analysis. Based on the available evidence, the clinical significance of this variant remains unclear.

NM_016507.4(CDK12):c.590G>T (p.Arg197Leu)

Genes: CDK12 (cyclin dependent kinase 12; plus strand), LOC126862553 (CDK7 strongly-dependent group 2 enhancer GRCh37_chr17:37618166-37619365; plus strand). Cytogenetic location: 17q12.
Variant type: single nucleotide variant.
Coding change: c.590G>T on transcript NM_016507.4 (MANE Select); coding-DNA position 590, G replaced by T.
Protein change: p.Arg197Leu; replaces arginine 197 with leucine.
Molecular consequence: missense variant.
Genome position (GRCh38, 1-based): chr17:39,462,661, G>T. VCF-style: chr17-39462661-G-T. GRCh37 (hg19) VCF-style: chr17-37618914-G-T.
Other names: c.590G>T, p.Arg197Leu (NM_015083.4); short protein forms R197L.
Identifiers: ClinVar variation 3999281 (VCV003999281.1).